The following is an entry in ClinVar:

ClinVar aggregate classification (germline): Uncertain significance. Review status: criteria provided, multiple submitters, no conflicts (2 of 4 stars). 2 submissions from 2 submitters: Uncertain significance (2). Last evaluated 2025-01-27.

Conditions:
Inborn genetic diseases. Identifiers: MedGen C0950123, MeSH D030342.
PIEZO1-related disorder. Also called: PIEZO1-related condition; PIEZO1-Related Disorders.

Allele frequency attached by ClinVar (database versions not stated): TOPMed below 0.00001; gnomAD 0.00001; gnomAD exomes 0.00001.
gnomAD v4.1: 8 of 1,535,534 alleles (0.00052%); highest among the groups gnomAD compares: East Asian, 0.0025%; no homozygotes.

Submissions (2):

PreventionGenetics, part of Exact Sciences
Classification: Uncertain significance for PIEZO1-related condition. Last evaluated: 2025-01-27. Review status: criteria provided, single submitter. Criteria: ACMG Guidelines, 2015. Collection method: clinical testing. Allele origin: germline.
Comment: The PIEZO1 c.4826G>A variant is predicted to result in the amino acid substitution p.Ser1609Asn. To our knowledge, this variant has not been reported in the literature or in a large population database (gnomAD), indicating this variant is rare. At this time, the clinical significance of this variant is uncertain due to the absence of conclusive functional and genetic evidence.

Ambry Genetics
Classification: Uncertain significance for Inborn genetic diseases. Last evaluated: 2023-05-05. Review status: criteria provided, single submitter. Criteria: Ambry Variant Classification Scheme 2023. Collection method: clinical testing. Allele origin: germline.

NM_001142864.4(PIEZO1):c.4826G>A (p.Ser1609Asn)

Gene: PIEZO1 (piezo type mechanosensitive ion channel component 1 (Er blood group); minus strand). Cytogenetic location: 16q24.3.
Variant type: single nucleotide variant.
Coding change: c.4826G>A on transcript NM_001142864.4 (MANE Select); coding-DNA position 4826, G replaced by A.
Protein change: p.Ser1609Asn; replaces serine 1609 with asparagine.
Molecular consequence: missense variant.
Genome position (GRCh38, 1-based): chr16:88,722,347, C>T on the plus strand (G>A on the coding strand, the complement: PIEZO1 is on the minus strand). VCF-style: chr16-88722347-C-T. GRCh37 (hg19) VCF-style: chr16-88788755-C-T.
Other names: c.3368G>A, p.Ser1123Asn (NM_014745.1); c.4826G>A (NM_001142864.3); short protein forms S1609N, S1123N.
Identifiers: ClinVar variation 2528606 (VCV002528606.3), dbSNP rs1424131734, ClinGen allele CA397094509.
Genomic context (GRCh38, chr16:88,722,347, plus strand): 5'-CCGGGGTCGGTGACTGCCTCCTCACTGCCACTGCGCGTGTGGTAGCCGGTGCTCAGGGGG[C>T]TGCCCATGTCGTCTGTCATGCTGCTGAGTGGCTCCTCCGCGCCCAGCCCACTGGGGAGGG-3'
Protein context (NP_001136336.2, residues 1599-1619): PLSSMTDDMG[Ser1609Asn]PLSTGYHTRS